The following is an entry in ClinVar:

NM_000135.4(FANCA):c.604G>A (p.Asp202Asn)

Gene: FANCA (FA complementation group A; minus strand). Cytogenetic location: 16q24.3.
Variant type: single nucleotide variant.
Coding change: c.604G>A on transcript NM_000135.4 (MANE Select); coding-DNA position 604, G replaced by A.
Protein change: p.Asp202Asn; replaces aspartic acid 202 with asparagine.
Molecular consequence: missense variant.
Genome position (GRCh38, 1-based): chr16:89,805,385, C>T on the plus strand (G>A on the coding strand, the complement: FANCA is on the minus strand). VCF-style: chr16-89805385-C-T. GRCh37 (hg19) VCF-style: chr16-89871793-C-T.
Other names: c.604G>A (NM_000135.3); c.604G>A, p.Asp202Asn (NM_001018112.3, NM_001286167.3); c.508G>A, p.Asp170Asn (NM_001351830.2); short protein forms D170N, D202N.
Identifiers: ClinVar variation 970879 (VCV000970879.14), dbSNP rs779131886, ClinGen allele CA8252880.

ClinVar aggregate classification (germline): Conflicting classifications of pathogenicity. Review status: criteria provided, conflicting classifications (1 of 4 stars). 4 submissions from 4 submitters: Uncertain significance (2); Likely benign (1). 1 of the submissions does not count toward it. Last evaluated 2026-01-19.

Conditions:
Fanconi anemia (FA). Also called: Fanconi's anemia. Identifiers: Orphanet 84, MedGen C0015625, MeSH D005199, MONDO:0019391.
Inborn genetic diseases. Identifiers: MedGen C0950123, MeSH D030342.

Allele frequency attached by ClinVar (database versions not stated): gnomAD exomes 0.00002 and 0.00001; TOPMed below 0.00001; ExAC 0.00003.

Submissions (4):

Labcorp Genetics (formerly Invitae), Labcorp
Classification: Likely benign for Fanconi anemia. Last evaluated: 2026-01-19. Review status: criteria provided, single submitter. Criteria: Invitae Variant Classification Sherloc (09022015). Collection method: clinical testing. Allele origin: germline.

Quest Diagnostics Nichols Institute San Juan Capistrano
Classification: Uncertain significance. Last evaluated: 2025-03-03. Review status: criteria provided, single submitter. Criteria: Quest Diagnostics criteria. Collection method: clinical testing. Allele origin: unknown.
Comment: The FANCA c.604G>A (p.Asp202Asn) variant has not been reported in individuals with FANCA-related conditions in the published literature. The frequency of this variant in the general population (Genome Aggregation Database) is uninformative in the assessment of its pathogenicity. Analysis of this variant using bioinformatics tools for the prediction of the effect of amino acid changes on protein structure and function yielded conflicting predictions that this variant is benign or damaging. Based on the available information, we are unable to determine the clinical significance of this variant.

Ambry Genetics
Classification: Uncertain significance for Inborn genetic diseases. Last evaluated: 2024-12-13. Review status: criteria provided, single submitter. Criteria: Ambry Variant Classification Scheme 2023. Collection method: clinical testing. Allele origin: germline.
Comment: The p.D202N variant (also known as c.604G>A), located in coding exon 7 of the FANCA gene, results from a G to A substitution at nucleotide position 604. The aspartic acid at codon 202 is replaced by asparagine, an amino acid with highly similar properties. This amino acid position is conserved. In addition, this alteration is predicted to be tolerated by in silico analysis. Based on the available evidence, the clinical significance of this variant remains unclear.

Natera, Inc.
Classification: Uncertain significance for Fanconi anemia. Last evaluated: 2020-03-23. Review status: no assertion criteria provided. Collection method: clinical testing. Allele origin: germline. Not counted in ClinVar's aggregate classification.